The following is an entry in ClinVar:

ClinVar aggregate classification (germline): Likely pathogenic (1 of 4 stars; one submission).

Conditions:
Ullrich congenital muscular dystrophy 1A. Also called: Intermediate COL6-RD; Ullrich congenital muscular dystrophy 1. Identifiers: Orphanet 75840, MedGen C0410179, MONDO:0009681, OMIM 254090.

Submission:

Broad Center for Mendelian Genomics, Broad Institute of MIT and Harvard
Classification: Likely pathogenic for Ullrich congenital muscular dystrophy 1A. Last evaluated: 2022-05-04. Review status: criteria provided, single submitter. Criteria: ACMG Guidelines, 2015. Collection method: curation. Allele origin: germline. Inheritance: Autosomal recessive inheritance.
Comment: This variant was absent from large population studies. This variant is predicted to cause a frameshift, which alters the protein’s amino acid sequence beginning at position 2692 and leads to a premature termination codon 15 amino acids downstream. This alteration is then predicted to lead to a truncated or absent protein. Loss of function of the COL6A3 gene is a moderately established disease mechanism in autosomal recessive Ullrich congenital muscular dystrophy 1. In summary, although additional studies are required to fully establish its clinical significance, this variant is likely pathogenic. ACMG/AMP Criteria applied: PVS1_strong, PM2 (Richards 2015).

NM_004369.4(COL6A3):c.8074del (p.Tyr2692fs)

Gene: COL6A3 (collagen type VI alpha 3 chain; minus strand). Cytogenetic location: 2q37.3.
Variant type: Deletion.
Coding change: c.8074del on transcript NM_004369.4 (MANE Select); coding-DNA position 8074, one base deleted (T; older notation c.8074delT).
Protein change: p.Tyr2692fs; shifts the reading frame from tyrosine 2692.
Molecular consequence: frameshift variant.
Genome position (GRCh38, 1-based): chr2:237,340,842, A deleted on the plus strand (T on the coding strand, the reverse complement: COL6A3 is on the minus strand). VCF-style (leftmost placement, unchanged base first): chr2-237340841-TA-T. GRCh37 (hg19) VCF-style: chr2-238249484-TA-T.
Other names: NM_057166.5:c.6253del; c.6253del, p.Tyr2085fs (NM_057166.5); c.7456del, p.Tyr2486fs (NM_057167.4); short protein forms Y2085fs, Y2486fs, Y2692fs.
Identifiers: ClinVar variation 1679826 (VCV001679826.1), dbSNP rs2106319784, ClinGen allele CA658820631.